The following is an entry in ClinVar:

NM_001199753.2(CPT1C):c.880-13C>A

Gene: CPT1C (carnitine palmitoyltransferase 1C; plus strand). Cytogenetic location: 19q13.33.
Variant type: single nucleotide variant.
Coding change: c.880-13C>A on transcript NM_001199753.2 (MANE Select); 13 bases into the intron before coding-DNA position 880, C replaced by A.
Molecular consequence: intron variant. On other transcripts: missense variant (1).
Genome position (GRCh38, 1-based): chr19:49,705,201, C>A. VCF-style: chr19-49705201-C-A. GRCh37 (hg19) VCF-style: chr19-50208458-C-A.
Other names: c.933C>A, p.His311Gln (NM_001378482.1); c.847-13C>A (NM_001378485.1, NM_001136052.3, NM_001378487.1); c.880-13C>A (NM_001378483.1, NM_001199752.3, NM_001378486.1 and 3 more transcripts); short protein forms H311Q.
Identifiers: ClinVar variation 4855740 (VCV004855740.1).
Genomic context (GRCh38, chr19:49,705,201, plus strand): 5'-TGGAGGTGTGGTCCTGTGGCCTTTGGGCCACGTGGGTCCTGGAAGGCAGCTCACAGCCCA[C>A]GGTTTCCTGCAGACTTTGCTGATGGGAATGCGCCCCTTATGCTCTGCCCAGTACGAGAAG-3'

ClinVar aggregate classification (germline): Uncertain significance (1 of 4 stars; one submission).

Conditions:
Hereditary spastic paraplegia 73. Also called: Spastic paraplegia 73, autosomal dominant. Identifiers: Orphanet 444099, MedGen C5568981, MONDO:0014568, OMIM 616282.

Submission:

3billion
Classification: Uncertain significance for Hereditary spastic paraplegia 73. Last evaluated: 2025-11-05. Review status: criteria provided, single submitter. Criteria: ACMG Guidelines, 2015. Collection method: clinical testing. Allele origin: germline. Affected: yes.
Comment: The variant is not observed in the gnomAD v4.1.0 dataset. Predicted Consequence/Location: Intron variant In silico tools predict the variant to alter splicing and produce an abnormal transcript [SpliceAI: 0.23 (>=0.2, moderate evidence for spliceogenicity)]. Therefore, this variant is classified as VUS according to the recommendation of ACMG/AMP guideline.